The following is an entry in ClinVar:

NM_080425.4(GNAS):c.788C>T (p.Ala263Val)

Gene: GNAS (GNAS complex locus; plus strand). Cytogenetic location: 20q13.32.
Variant type: single nucleotide variant.
Coding change: c.788C>T on transcript NM_080425.4 (MANE Plus Clinical); coding-DNA position 788, C replaced by T.
Protein change: p.Ala263Val; replaces alanine 263 with valine.
Molecular consequence: missense variant. On other transcripts: intron variant (3).
Genome position (GRCh38, 1-based): chr20:58,854,053, C>T. VCF-style: chr20-58854053-C-T. GRCh37 (hg19) VCF-style: chr20-57429108-C-T.
Other names: c.601C>T, p.Arg201Trp (NM_001077490.3, NM_001309883.1); c.788C>T, p.Ala263Val (NM_001410913.1); c.*42+13167C>T (NM_016592.5); c.43+13167C>T (NM_001410912.1); c.-39+12178C>T (NM_001309861.2); short protein forms A263V, R201W.
Identifiers: ClinVar variation 3376616 (VCV003376616.1).
Genomic context (GRCh38, chr20:58,854,053, plus strand): 5'-CCCGAGTTATCGCACAAGTCGACGGCAGCAGCCAGTTCGCGGCAGTCGCGGCCTCGAGTG[C>T]GGTCCGCCTCACTCCCGCCGCGAACGCGCCTCCCCTCTGGGTCCCAGGCGCCATCGGCAG-3'
Protein context (NP_536350.2, residues 253-273): SQFAAVAASS[Ala263Val]VRLTPAANAP

ClinVar aggregate classification (germline): Uncertain significance (1 of 4 stars; one submission).

Conditions:
McCune-Albright syndrome (MAS). Also called: McCune-Albright syndrome, somatic, mosaic; Fibrous Dysplasia / McCune-Albright Syndrome; ALBRIGHT SYNDROME; Albright's Syndrome; Albright's disease. Identifiers: Orphanet 562, MedGen C0242292, MONDO:0018919, OMIM 174800.

gnomAD v4.1: 6 of 1,610,558 alleles (0.00037%); highest among the groups gnomAD compares: Non-Finnish European, 0.00034%; no homozygotes.

Submission:

Victorian Clinical Genetics Services, Murdoch Childrens Research Institute
Classification: Uncertain significance for McCune-Albright syndrome. Last evaluated: 2022-02-02. Review status: criteria provided, single submitter. Criteria: ACMG Guidelines, 2015. Collection method: clinical testing. Allele origin: germline. Inheritance: Autosomal dominant inheritance.
Comment: Based on the classification scheme VCGS_Germline_v1.3.4, this variant is classified as VUS-3C. Following criteria are met: 0103 - Loss of function and gain of function are known mechanisms of disease in this gene and are associated with hypoparathyroidism phenotypes (MIM#103580, 603233, 612462, 612463) and progressive osseous heteroplasia (MIM#166350); while gain-of-function has been reported for somatic variants (PMID: 10980525, 11588148) (I) 0113 - This gene is known to be imprinted. Maternal or paternal imprinting is transcript dependent (OMIM, PMID: 23884777). (I) 0200 - Variant is predicted to result in a missense amino acid change from alanine to valine. (I) 0219 - This variant is non-coding in an alternative transcript. It is coding in transcripts which are paternally expressed (NM_080425.3 and NM_001077490.3), but non-coding in those which are biallelically expressed (NM_000516.5 and NM_001077488) (NCBI, UCSC).(I) 0251 - This variant is heterozygous. (I) 0302 - Variant is present in gnomAD <0.001 for a dominant condition (v2: 1 heterozygote, 0 homozygotes). (SP) 0503 - Missense variant consistently predicted to be tolerated by multiple in silico tools or not conserved in placental mammals with a minor amino acid change. (SB) 0604 - Variant is not located in an established domain, motif, hotspot or informative constraint region. (I) 0705 - No comparable missense variants have previous evidence for pathogenicity. (I) 0807 - This variant has no previous evidence of pathogenicity. (I) 0905 - No published segregation evidence has been identified for this variant. (I) 1007 - No published functional evidence has been identified for this variant. (I) 1208 - Inheritance information for this variant is not currently available in this individual. (I) Legend: (SP) - Supporting pathogenic, (I) - Information, (SB) - Supporting benign

Literature cited by the submitters: PubMed 10980525; PubMed 11588148; PubMed 23884777.